The following is an entry in ClinVar:

ClinVar aggregate classification (germline): Uncertain significance. Review status: criteria provided, multiple submitters, no conflicts (2 of 4 stars). 2 submissions from 2 submitters: Uncertain significance (2). Last evaluated 2023-10-02.

Conditions:
Emery-Dreifuss muscular dystrophy (EDMD). Also called: Scapuloperoneal syndrome, X-linked (formerly); Humeroperoneal neuromuscular disease, (formerly). Identifiers: Orphanet 261, MedGen C0410189, MONDO:0016830.

Allele frequency attached by ClinVar (database versions not stated): gnomAD 0.00001; gnomAD exomes 0.00001; TOPMed 0.00001.
gnomAD v4.1: 20 of 1,605,398 alleles (0.0012%); highest among the groups gnomAD compares: East Asian, 0.0022%; no homozygotes.

Submissions (2):

ARUP Laboratories, Molecular Genetics and Genomics, ARUP Laboratories
Classification: Uncertain significance. Last evaluated: 2023-10-02. Review status: criteria provided, single submitter. Criteria: ARUP Molecular Germline Variant Investigation Process 2024. Collection method: clinical testing. Allele origin: germline.

Labcorp Genetics (formerly Invitae), Labcorp
Classification: Uncertain significance for Emery-Dreifuss muscular dystrophy. Last evaluated: 2022-10-21. Review status: criteria provided, single submitter. Criteria: Invitae Variant Classification Sherloc (09022015). Collection method: clinical testing. Allele origin: germline.
Comment: In summary, the available evidence is currently insufficient to determine the role of this variant in disease. Therefore, it has been classified as a Variant of Uncertain Significance. Algorithms developed to predict the effect of missense changes on protein structure and function (SIFT, PolyPhen-2, Align-GVGD) all suggest that this variant is likely to be disruptive. ClinVar contains an entry for this variant (Variation ID: 654281). This variant has not been reported in the literature in individuals affected with SUN2-related conditions. This variant is present in population databases (no rsID available, gnomAD 0.003%). This sequence change replaces arginine, which is basic and polar, with glutamine, which is neutral and polar, at codon 589 of the SUN2 protein (p.Arg589Gln).

NM_015374.3(SUN2):c.1766G>A (p.Arg589Gln)

Genes: GTPBP1 (GTP binding protein 1; plus strand), SUN2 (Sad1 and UNC84 domain containing 2; minus strand). Cytogenetic location: 22q13.1.
Variant type: single nucleotide variant.
Coding change: c.1766G>A on transcript NM_015374.3 (MANE Select); coding-DNA position 1766, G replaced by A.
Protein change: p.Arg589Gln; replaces arginine 589 with glutamine.
Molecular consequence: missense variant.
Genome position (GRCh38, 1-based): chr22:38,738,886, C>T on the plus strand (G>A on the coding strand, the complement: SUN2 is on the minus strand). VCF-style: chr22-38738886-C-T. GRCh37 (hg19) VCF-style: chr22-39134891-C-T.
Other names: c.1829G>A, p.Arg610Gln (NM_001199579.2); c.1766G>A, p.Arg589Gln (NM_001199580.2); short protein forms R589Q, R610Q.
Identifiers: ClinVar variation 654281 (VCV000654281.11), dbSNP rs1446967356, ClinGen allele CA411583587.